The following is an entry in ClinVar:

ClinVar aggregate classification (germline): Likely pathogenic (1 of 4 stars; one submission).

Conditions:
Deficiency of alpha-mannosidase (MANSA). Also called: LYSOSOMAL ALPHA-D-MANNOSIDASE DEFICIENCY; Alpha-Mannosidosis; Mannosidosis, alpha-, types I and II. Identifiers: Orphanet 61, MedGen C0024748, MONDO:0009561, OMIM 248500.

Submission:

Labcorp Genetics (formerly Invitae), Labcorp
Classification: Likely pathogenic for Deficiency of alpha-mannosidase. Last evaluated: 2026-01-11. Review status: criteria provided, single submitter. Criteria: Invitae Variant Classification Sherloc (09022015). Collection method: clinical testing. Allele origin: germline.
Comment: This sequence change affects a donor splice site in intron 4 of the MAN2B1 gene. It is expected to disrupt RNA splicing. Variants that disrupt the donor or acceptor splice site typically lead to a loss of protein function (PMID: 16199547), and loss-of-function variants in MAN2B1 are known to be pathogenic (PMID: 9915946, 22161967). This variant is not present in population databases (gnomAD no frequency). This variant has not been reported in the literature in individuals affected with MAN2B1-related conditions. Algorithms developed to predict the effect of sequence changes on RNA splicing suggest that this variant may disrupt the consensus splice site. In summary, the currently available evidence indicates that the variant is pathogenic, but additional data are needed to prove that conclusively. Therefore, this variant has been classified as Likely Pathogenic.

Literature cited by the submitters: PubMed 16199547; PubMed 9915946; PubMed 22161967.

NM_000528.4(MAN2B1):c.630+1G>A

Gene: MAN2B1 (mannosidase alpha class 2B member 1; minus strand). Cytogenetic location: 19p13.13.
Variant type: single nucleotide variant.
Coding change: c.630+1G>A on transcript NM_000528.4 (MANE Select); the canonical splice donor site of the intron after coding-DNA position 630, G replaced by A.
Molecular consequence: splice donor variant.
Genome position (GRCh38, 1-based): chr19:12,664,791, C>T on the plus strand (G>A on the coding strand, the complement: MAN2B1 is on the minus strand). VCF-style: chr19-12664791-C-T. GRCh37 (hg19) VCF-style: chr19-12775605-C-T.
Other names: c.630+1G>A (NM_001173498.2, NM_001440570.1).
Identifiers: ClinVar variation 4731490 (VCV004731490.1).
Genomic context (GRCh38, chr19:12,664,791, plus strand): 5'-TGGGCGAGGGAGGAGCCAGAGTGAGTGAAGAAGTGGGCCCAAGAGAGGTCCCGGGTCGCA[C>T]CTGCGCAAACAGCGAGGCCTGCTCCCGAGAGTGGCCGAAGGGGTCAATGTGCCAGGCCAC-3'